The following is an entry in ClinVar:

NM_002691.4(POLD1):c.1681C>G (p.Arg561Gly)

Gene: POLD1 (DNA polymerase delta 1, catalytic subunit; plus strand). Cytogenetic location: 19q13.33.
Variant type: single nucleotide variant.
Coding change: c.1681C>G on transcript NM_002691.4 (MANE Select); coding-DNA position 1681, C replaced by G.
Protein change: p.Arg561Gly; replaces arginine 561 with glycine.
Molecular consequence: missense variant. On other transcripts: non-coding transcript variant (1).
Genome position (GRCh38, 1-based): chr19:50,407,169, C>G. VCF-style: chr19-50407169-C-G. GRCh37 (hg19) VCF-style: chr19-50910426-C-G.
Other names: c.1681C>G (NM_002691.2); c.1681C>G, p.Arg561Gly (NM_001256849.1, NM_001308632.1); short protein forms R561G.
Identifiers: ClinVar variation 3624106 (VCV003624106.3).

ClinVar aggregate classification (germline): Uncertain significance. Review status: criteria provided, multiple submitters, no conflicts (2 of 4 stars). 2 submissions from 2 submitters: Uncertain significance (2). Last evaluated 2025-05-10.

Conditions:
Hereditary cancer-predisposing syndrome. Also called: Neoplastic Syndromes, Hereditary; Tumor predisposition; Hereditary Cancer Syndrome; Hereditary neoplastic syndrome. Identifiers: Orphanet 140162, MedGen C0027672, MeSH D009386, MONDO:0015356.
POLD1-related polyposis and colorectal cancer syndrome (CRCS10). Also called: Colorectal cancer 10; COLORECTAL CANCER, SUSCEPTIBILITY TO, ON CHROMOSOME 19q; Colorectal cancer, susceptibility to, 10. Identifiers: Orphanet 220460, MedGen C2675481, MONDO:0012953, OMIM 612591.

Submissions (2):

Ambry Genetics
Classification: Uncertain significance for Hereditary cancer-predisposing syndrome. Last evaluated: 2025-05-10. Review status: criteria provided, single submitter. Criteria: Ambry Variant Classification Scheme 2023. Collection method: clinical testing. Allele origin: germline.
Comment: The p.R561G variant (also known as c.1681C>G), located in coding exon 12 of the POLD1 gene, results from a C to G substitution at nucleotide position 1681. The arginine at codon 561 is replaced by glycine, an amino acid with dissimilar properties. This amino acid position is well conserved in available vertebrate species. In addition, the in silico prediction for this alteration is inconclusive. Based on the available evidence, the clinical significance of this variant remains unclear.

Labcorp Genetics (formerly Invitae), Labcorp
Classification: Uncertain significance for POLD1-related polyposis and colorectal cancer syndrome. Last evaluated: 2024-04-25. Review status: criteria provided, single submitter. Criteria: Invitae Variant Classification Sherloc (09022015). Collection method: clinical testing. Allele origin: germline.
Comment: This sequence change replaces arginine, which is basic and polar, with glycine, which is neutral and non-polar, at codon 561 of the POLD1 protein (p.Arg561Gly). This variant is not present in population databases (gnomAD no frequency). This variant has not been reported in the literature in individuals affected with POLD1-related conditions. Advanced modeling of protein sequence and biophysical properties (such as structural, functional, and spatial information, amino acid conservation, physicochemical variation, residue mobility, and thermodynamic stability) performed at Invitae indicates that this missense variant is expected to disrupt POLD1 protein function with a positive predictive value of 80%. In summary, the available evidence is currently insufficient to determine the role of this variant in disease. Therefore, it has been classified as a Variant of Uncertain Significance.